The following is an entry in ClinVar:

ClinVar aggregate classification (germline): Uncertain significance (1 of 4 stars; one submission).

Submission:

Labcorp Genetics (formerly Invitae), Labcorp
Classification: Uncertain significance. Last evaluated: 2025-10-13. Review status: criteria provided, single submitter. Criteria: Invitae Variant Classification Sherloc (09022015). Collection method: clinical testing. Allele origin: germline.
Comment: This sequence change replaces threonine, which is neutral and polar, with serine, which is neutral and polar, at codon 555 of the STAG2 protein (p.Thr555Ser). This variant is not present in population databases (gnomAD no frequency). This variant has not been reported in the literature in individuals affected with STAG2-related conditions. Invitae Evidence Modeling of protein sequence and biophysical properties (such as structural, functional, and spatial information, amino acid conservation, physicochemical variation, residue mobility, and thermodynamic stability) indicates that this missense variant is not expected to disrupt STAG2 protein function with a negative predictive value of 80%. In summary, the available evidence is currently insufficient to determine the role of this variant in disease. Therefore, it has been classified as a Variant of Uncertain Significance.

NM_001042750.2(STAG2):c.1663A>T (p.Thr555Ser)

Gene: STAG2 (STAG2 cohesin complex component; plus strand). Cytogenetic location: Xq25.
Variant type: single nucleotide variant.
Coding change: c.1663A>T on transcript NM_001042750.2 (MANE Select); coding-DNA position 1663, A replaced by T.
Protein change: p.Thr555Ser; replaces threonine 555 with serine.
Molecular consequence: missense variant.
Genome position (GRCh38, 1-based): chrX:124,062,926, A>T. VCF-style: chrX-124062926-A-T. GRCh37 (hg19) VCF-style: chrX-123196776-A-T.
Other names: c.1663A>T, p.Thr555Ser (NM_001042749.2, NM_001042751.2, NM_001282418.2 and 23 more transcripts); short protein forms T555S.
Identifiers: ClinVar variation 4744830 (VCV004744830.1).